The following is an entry in ClinVar:

ClinVar aggregate classification (germline): Uncertain significance (1 of 4 stars; one submission).

Conditions:
Familial hemophagocytic lymphohistiocytosis 4 (FHL4). Also called: STX11-Related Familial Hemophagocytic Lymphohistiocytosis (STX11-fHLH). Identifiers: Orphanet 540, MedGen C1863728, MONDO:0011336, OMIM 603552.

Allele frequency attached by ClinVar (database versions not stated): TOPMed below 0.00001.
gnomAD v4.1: 3 of 1,612,432 alleles (0.00019%); highest among the groups gnomAD compares: South Asian, 0.0033%; no homozygotes.

Submission:

Labcorp Genetics (formerly Invitae), Labcorp
Classification: Uncertain significance for Familial hemophagocytic lymphohistiocytosis 4. Last evaluated: 2023-04-24. Review status: criteria provided, single submitter. Criteria: Invitae Variant Classification Sherloc (09022015). Collection method: clinical testing. Allele origin: germline.
Comment: This sequence change replaces cysteine, which is neutral and slightly polar, with serine, which is neutral and polar, at codon 285 of the STX11 protein (p.Cys285Ser). This variant is not present in population databases (gnomAD no frequency). This variant has not been reported in the literature in individuals affected with STX11-related conditions. ClinVar contains an entry for this variant (Variation ID: 1345622). Experimental studies and prediction algorithms are not available or were not evaluated, and the functional significance of this variant is currently unknown. In summary, the available evidence is currently insufficient to determine the role of this variant in disease. Therefore, it has been classified as a Variant of Uncertain Significance.

NM_003764.4(STX11):c.854G>C (p.Cys285Ser)

Gene: STX11 (syntaxin 11; plus strand). Cytogenetic location: 6q24.2.
Variant type: single nucleotide variant.
Coding change: c.854G>C on transcript NM_003764.4 (MANE Select); coding-DNA position 854, G replaced by C.
Protein change: p.Cys285Ser; replaces cysteine 285 with serine.
Molecular consequence: missense variant.
Genome position (GRCh38, 1-based): chr6:144,187,481, G>C. VCF-style: chr6-144187481-G-C. GRCh37 (hg19) VCF-style: chr6-144508618-G-C.
Other names: short protein forms C285S.
Identifiers: ClinVar variation 1345622 (VCV001345622.6), dbSNP rs1321958193, ClinGen allele CA365950260.